The following is an entry in ClinVar:

ClinVar aggregate classification (germline): Likely benign (1 of 4 stars; one submission).

Conditions:
LSR-related condition.

Submission:

PreventionGenetics, part of Exact Sciences
Classification: Likely benign for LSR-related condition. Last evaluated: 2026-06-30. Review status: criteria provided, single submitter. Criteria: ACMG Guidelines, 2015. Collection method: clinical testing. Allele origin: germline.
Comment: This variant is classified as likely benign based on ACMG/AMP sequence variant interpretation guidelines (Richards et al. 2015 PMID: 25741868, with internal and published modifications).

NM_205834.3(LSR):c.119G>A

Gene: LSR (lipolysis stimulated lipoprotein receptor; plus strand). Cytogenetic location: 19q13.12.
Variant type: single nucleotide variant.
Coding change: c.119G>A on transcript NM_205834.3; coding-DNA position 119, G replaced by A.
Genome position (GRCh38, 1-based): chr19:35,248,997, G>A. VCF-style: chr19-35248997-G-A. GRCh37 (hg19) VCF-style: chr19-35739900-G-A.
Identifiers: ClinVar variation 4981497 (VCV004981497.1).